The following is an entry in ClinVar:

ClinVar aggregate classification (germline): Uncertain significance (1 of 4 stars; one submission).

Conditions:
Tuberous sclerosis 2 (TSC2). Identifiers: Orphanet 805, MedGen C1860707, MONDO:0013199, OMIM 613254.

Allele frequency attached by ClinVar (database versions not stated): gnomAD exomes below 0.00001.
gnomAD v4.1: 1 of 1,613,370 alleles (0.000062%); highest among the groups gnomAD compares: Non-Finnish European, 0.000085%; no homozygotes.

Submission:

Labcorp Genetics (formerly Invitae), Labcorp
Classification: Uncertain significance for Tuberous sclerosis 2. Last evaluated: 2023-11-06. Review status: criteria provided, single submitter. Criteria: Invitae Variant Classification Sherloc (09022015). Collection method: clinical testing. Allele origin: germline.
Comment: This sequence change replaces tyrosine, which is neutral and polar, with histidine, which is basic and polar, at codon 576 of the TSC2 protein (p.Tyr576His). This variant is not present in population databases (gnomAD no frequency). This variant has not been reported in the literature in individuals affected with TSC2-related conditions. Advanced modeling of protein sequence and biophysical properties (such as structural, functional, and spatial information, amino acid conservation, physicochemical variation, residue mobility, and thermodynamic stability) performed at Invitae indicates that this missense variant is not expected to disrupt TSC2 protein function with a negative predictive value of 95%. In summary, the available evidence is currently insufficient to determine the role of this variant in disease. Therefore, it has been classified as a Variant of Uncertain Significance.

NM_000548.5(TSC2):c.1726T>C (p.Tyr576His)

Gene: TSC2 (TSC complex subunit 2; plus strand). Cytogenetic location: 16p13.3.
Variant type: single nucleotide variant.
Coding change: c.1726T>C on transcript NM_000548.5 (MANE Select); coding-DNA position 1726, T replaced by C.
Protein change: p.Tyr576His; replaces tyrosine 576 with histidine.
Molecular consequence: missense variant. On other transcripts: non-coding transcript variant (5).
Genome position (GRCh38, 1-based): chr16:2,070,465, T>C. VCF-style: chr16-2070465-T-C. GRCh37 (hg19) VCF-style: chr16-2120466-T-C.
Other names: c.1615T>C, p.Tyr539His (NM_001406678.1, NM_001318827.2, NM_001406670.1); c.1579T>C, p.Tyr527His (NM_001406679.1, NM_001318829.2, NM_001406675.1 and 1 more transcripts); c.1126T>C, p.Tyr376His (NM_001406680.1, NM_001406688.1, NM_001318831.2 and 6 more transcripts); c.1264T>C, p.Tyr422His (NM_001406681.1); c.382T>C, p.Tyr128His (NM_001406689.1, NM_001406690.1, NM_001406691.1 and 6 more transcripts); c.124T>C, p.Tyr42His (NM_001406698.1); c.1726T>C, p.Tyr576His (NM_021055.3, NM_001077183.3, NM_001114382.3 and 6 more transcripts); c.1759T>C, p.Tyr587His (NM_001318832.2); and 3 more; short protein forms Y539H, Y557H, Y576H, Y527H, Y128H, Y422H, Y572H, Y376H.
Identifiers: ClinVar variation 2693565 (VCV002693565.3), dbSNP rs2151277938, ClinGen allele CA394272675.